The following is an entry in ClinVar:

NM_031407.7(HUWE1):c.5854G>T (p.Ala1952Ser)

Gene: HUWE1 (HECT, UBA and WWE domain containing E3 ubiquitin protein ligase 1; minus strand). Cytogenetic location: Xp11.22.
Variant type: single nucleotide variant.
Coding change: c.5854G>T on transcript NM_031407.7 (MANE Select); coding-DNA position 5854, G replaced by T.
Protein change: p.Ala1952Ser; replaces alanine 1952 with serine.
Molecular consequence: missense variant.
Genome position (GRCh38, 1-based): chrX:53,576,930, C>A on the plus strand (G>T on the coding strand, the complement: HUWE1 is on the minus strand). VCF-style: chrX-53576930-C-A. GRCh37 (hg19) VCF-style: chrX-53603890-C-A.
Other names: short protein forms A1952S.
Identifiers: ClinVar variation 2446192 (VCV002446192.1), dbSNP rs1556959318, ClinGen allele CA413171873.

ClinVar aggregate classification (germline): Uncertain significance (1 of 4 stars; one submission).

Allele frequency attached by ClinVar (database versions not stated): gnomAD exomes below 0.00001.
gnomAD v4.1: 1 of 1,210,653 alleles (0.000083%); highest among the groups gnomAD compares: South Asian, 0.0018%; no homozygotes.

Submission:

GeneDx
Classification: Uncertain significance. Last evaluated: 2022-09-20. Review status: criteria provided, single submitter. Criteria: GeneDx Variant Classification Process June 2021. Collection method: clinical testing. Allele origin: germline. Affected: yes.
Comment: In silico analysis supports that this missense variant does not alter protein structure/function; Has not been previously published as pathogenic or benign to our knowledge